The following is an entry in ClinVar:

NM_030578.4(B9D2):c.132G>A (p.Thr44=)

Gene: B9D2 (B9 domain containing 2; minus strand). Cytogenetic location: 19q13.2.
Variant type: single nucleotide variant.
Coding change: c.132G>A on transcript NM_030578.4 (MANE Select); coding-DNA position 132, G replaced by A.
Protein change: p.Thr44=; no amino-acid change (threonine 44 retained).
Molecular consequence: synonymous variant.
Genome position (GRCh38, 1-based): chr19:41,357,979, C>T on the plus strand (G>A on the coding strand, the complement: B9D2 is on the minus strand). VCF-style: chr19-41357979-C-T. GRCh37 (hg19) VCF-style: chr19-41863884-C-T.
Other names: c.132G>A (NM_030578.3).
Identifiers: ClinVar variation 2054993 (VCV002054993.7), dbSNP rs774854310, ClinGen allele CA9460344.

ClinVar aggregate classification (germline): Likely benign. Review status: criteria provided, multiple submitters, no conflicts (2 of 4 stars). 3 submissions from 3 submitters: Likely benign (2). 1 of the submissions does not count toward it. Last evaluated 2022-04-12.

Conditions:
B9D2-related disorder. Also called: B9D2-related condition.
Joubert syndrome. Also called: Familial aplasia of the vermis; JOUBERT-BOLTSHAUSER SYNDROME. Identifiers: Orphanet 475, MedGen C5979921, MONDO:0018772.
Meckel-Gruber syndrome. Also called: DYSENCEPHALIA SPLANCHNOCYSTICA; GRUBER SYNDROME; Dysencephalia splachnocystica. Identifiers: Orphanet 564, MedGen C0265215, MONDO:0018921.

Allele frequency attached by ClinVar (database versions not stated): gnomAD 0.00001; ExAC 0.00002.

Submissions (3):

Labcorp Genetics (formerly Invitae), Labcorp
Classification: Likely benign for Joubert syndrome; Meckel-Gruber syndrome. Last evaluated: 2022-04-12. Review status: criteria provided, single submitter. Criteria: Invitae Variant Classification Sherloc (09022015). Collection method: clinical testing. Allele origin: germline.

Blueprint Genetics
Classification: Likely benign. Last evaluated: 2021-06-02. Review status: criteria provided, single submitter. Criteria: ACMG Guidelines, 2015. Collection method: clinical testing. Allele origin: germline.

PreventionGenetics, part of Exact Sciences
Classification: Likely benign for B9D2-related condition. Last evaluated: 2020-01-21. Review status: no assertion criteria provided. Collection method: clinical testing. Allele origin: germline. Not counted in ClinVar's aggregate classification.
Comment: This variant is classified as likely benign based on ACMG/AMP sequence variant interpretation guidelines (Richards et al. 2015 PMID: 25741868, with internal and published modifications).